The following is an entry in ClinVar:

ClinVar aggregate classification (germline): Uncertain significance. Review status: criteria provided, multiple submitters, no conflicts (2 of 4 stars). 2 submissions from 2 submitters: Uncertain significance (2). Last evaluated 2021-12-29.

Conditions:
Methylmalonate semialdehyde dehydrogenase deficiency (MMSDHD). Also called: MMSDH DEFICIENCY. Identifiers: Orphanet 289307, MedGen C3279840, MONDO:0013579, OMIM 614105.

Allele frequency attached by ClinVar (database versions not stated): gnomAD 0.00002 and 0.00003; TOPMed 0.00003; gnomAD exomes 0.00004; ExAC 0.00007; ESP Exome Variant Server 0.00008.
gnomAD v4.1: 61 of 1,614,026 alleles (0.0038%); highest among the groups gnomAD compares: Non-Finnish European, 0.0049%; no homozygotes.

Submissions (2):

Labcorp Genetics (formerly Invitae), Labcorp
Classification: Uncertain significance. Last evaluated: 2021-12-29. Review status: criteria provided, single submitter. Criteria: Invitae Variant Classification Sherloc (09022015). Collection method: clinical testing. Allele origin: germline.
Comment: In summary, the available evidence is currently insufficient to determine the role of this variant in disease. Therefore, it has been classified as a Variant of Uncertain Significance. Advanced modeling of protein sequence and biophysical properties (such as structural, functional, and spatial information, amino acid conservation, physicochemical variation, residue mobility, and thermodynamic stability) performed at Invitae indicates that this missense variant is not expected to disrupt ALDH6A1 protein function. ClinVar contains an entry for this variant (Variation ID: 314174). This variant has not been reported in the literature in individuals affected with ALDH6A1-related conditions. This variant is present in population databases (rs376852895, gnomAD 0.01%). This sequence change replaces asparagine, which is neutral and polar, with serine, which is neutral and polar, at codon 303 of the ALDH6A1 protein (p.Asn303Ser).

Illumina Laboratory Services, Illumina
Classification: Uncertain significance for Methylmalonate semialdehyde dehydrogenase deficiency. Last evaluated: 2018-01-12. Review status: criteria provided, single submitter. Criteria: ICSL Variant Classification Criteria 13 December 2019. Collection method: clinical testing. Allele origin: germline.

NM_005589.4(ALDH6A1):c.908A>G (p.Asn303Ser)

Genes: ALDH6A1 (aldehyde dehydrogenase 6 family member A1; minus strand), BBOF1 (basal body orientation factor 1; plus strand). Cytogenetic location: 14q24.3.
Variant type: single nucleotide variant.
Coding change: c.908A>G on transcript NM_005589.4 (MANE Select); coding-DNA position 908, A replaced by G.
Protein change: p.Asn303Ser; replaces asparagine 303 with serine.
Molecular consequence: missense variant.
Genome position (GRCh38, 1-based): chr14:74,067,514, T>C on the plus strand (A>G on the coding strand, the complement: ALDH6A1 is on the minus strand). VCF-style: chr14-74067514-T-C. GRCh37 (hg19) VCF-style: chr14-74534217-T-C.
Other names: c.869A>G, p.Asn290Ser (NM_001278593.2); c.446A>G, p.Asn149Ser (NM_001278594.2); short protein forms N303S, N149S, N290S.
Identifiers: ClinVar variation 314174 (VCV000314174.9), dbSNP rs376852895, ClinGen allele CA7265733.